The following is an entry in ClinVar:

ClinVar aggregate classification (germline): Pathogenic (1 of 4 stars; one submission).

Conditions:
Breast-ovarian cancer, familial, susceptibility to, 2 (BROVCA2). Also called: BRCA2 Hereditary Breast and Ovarian Cancer. Identifiers: Orphanet 145, MedGen C2675520, MONDO:0012933, OMIM 612555. Disease mechanism: loss of function.

Submission:

Myriad Genetics, Inc.
Classification: Pathogenic for Breast-ovarian cancer, familial, susceptibility to, 2. Last evaluated: 2024-05-30. Review status: criteria provided, single submitter. Criteria: Myriad Autosomal Dominant, Autosomal Recessive and X-Linked Classification Criteria (2023). Collection method: clinical testing. Allele origin: unknown.
Comment: This variant is considered pathogenic. This variant creates a frameshift predicted to result in premature protein truncation.

NM_000059.4(BRCA2):c.5949_5962del (p.Lys1984fs)

Gene: BRCA2 (BRCA2 DNA repair associated; plus strand). Cytogenetic location: 13q13.1.
Variant type: Deletion.
Coding change: c.5949_5962del on transcript NM_000059.4 (MANE Select); coding-DNA positions 5949 to 5962, 14 bases deleted (AAAATCTGTCCAGG).
Protein change: p.Lys1984fs; shifts the reading frame from lysine 1984.
Molecular consequence: frameshift variant. On other transcripts: non-coding transcript variant (1), intron variant (2).
Genome position (GRCh38, 1-based): chr13:32,340,304-32,340,317, AAAATCTGTCCAGG deleted; deleting any 14 consecutive bases within chr13:32,340,302-32,340,317 gives the same sequence; the c. name uses the placement nearest the transcript's 3' end. VCF-style (leftmost placement, unchanged base first): chr13-32340301-TGGAAAATCTGTCCA-T. GRCh37 (hg19) VCF-style: chr13-32914438-TGGAAAATCTGTCCA-T.
Other names: c.5949_5962del, p.Lys1984fs (NM_001406719.1, NM_001406720.1); c.1910-4254_1910-4241del (NM_001406721.1); c.425-4254_425-4241del (NM_001406722.1); short protein forms K1984fs.
Identifiers: ClinVar variation 3254394 (VCV003254394.1), dbSNP rs2548532186.
Genomic context (GRCh38, chr13:32,340,301, plus strand): 5'-AGGGAAGCTTCATAAGTCAGTCTCATCTGCAAATACTTGTGGGATTTTTAGCACAGCAAG[TGGAAAATCTGTCCA>T]GGTATCAGATGCTTCATTACAAAACGCAAGACAAGTGTTTTCTGAAATAGAAGATAGTAC-3'